The following is an entry in ClinVar:

ClinVar aggregate classification (germline): Likely pathogenic (0 of 4 stars; one submission).

Conditions:
SDCCAG8-related disorder. Also called: SDCCAG8-Related Disorders; SDCCAG8-related condition.

Submission:

PreventionGenetics, part of Exact Sciences
Classification: Likely pathogenic for SDCCAG8-related condition. Last evaluated: 2024-07-03. Review status: no assertion criteria provided. Collection method: clinical testing. Allele origin: germline.
Comment: The SDCCAG8 c.1063dupA variant is predicted to result in a frameshift and premature protein termination (p.Thr355Asnfs*8). To our knowledge, this variant has not been reported in the literature or in a large population database, indicating this variant is rare. Frameshift variants in SDCCAG8 are expected to be pathogenic. This variant is interpreted as likely pathogenic.

NM_006642.5(SDCCAG8):c.1063dup (p.Thr355fs)

Gene: SDCCAG8 (SHH signaling and ciliogenesis regulator SDCCAG8; plus strand). Cytogenetic location: 1q43.
Variant type: Duplication.
Coding change: c.1063dup on transcript NM_006642.5 (MANE Select); coding-DNA position 1063, one base duplicated (A; older notation c.1063dupA).
Protein change: p.Thr355fs; shifts the reading frame from threonine 355.
Molecular consequence: frameshift variant.
Genome position (GRCh38, 1-based): chr1:243,316,888, A duplicated; the last of 6 consecutive A bases (chr1:243,316,883-243,316,888); duplicating any one gives the same sequence. VCF-style (leftmost placement, unchanged base first): chr1-243316882-G-GA. GRCh37 (hg19) VCF-style: chr1-243480184-G-GA.
Other names: c.160dup, p.Thr54fs (NM_001350246.2, NM_001350247.2, NM_001350251.2); c.1159dup, p.Thr387fs (NM_001350248.2); c.769dup, p.Thr257fs (NM_001350249.2); short protein forms T257fs, T355fs, T387fs, T54fs.
Identifiers: ClinVar variation 3345243 (VCV003345243.1).